The following is an entry in ClinVar:

ClinVar aggregate classification (germline): Conflicting classifications of pathogenicity. Review status: criteria provided, conflicting classifications (1 of 4 stars). 9 submissions from 8 submitters: Uncertain significance (4); Benign (1); Likely benign (2). 2 of the submissions do not count toward it. Last evaluated 2026-01-05.

Conditions:
Cardiovascular phenotype. Identifiers: MedGen CN230736.
Arrhythmogenic right ventricular dysplasia 12. Also called: ARRHYTHMOGENIC RIGHT VENTRICULAR DYSPLASIA, FAMILIAL, 12. Identifiers: MedGen C1969081, MONDO:0012684, OMIM 611528.
Naxos disease (NXD). Also called: KERATOSIS PALMOPLANTARIS WITH ARRHYTHMOGENIC CARDIOMYOPATHY; MAL DE NAXOS; PALMOPLANTAR KERATODERMA WITH ARRHYTHMOGENIC RIGHT VENTRICULAR CARDIOMYOPATHY AND WOOLLY HAIR; WOOLLY HAIR, PALMOPLANTAR KERATODERMA, AND CARDIAC ABNORMALITIES; CARDIOMYOPATHY, ARRHYTHMOGENIC RIGHT VENTRICULAR, WITH SKIN, HAIR, AND NAIL ABNORMALITIES. Identifiers: Orphanet 34217, MedGen C1832600, MONDO:0011017, OMIM 601214.

Allele frequency attached by ClinVar (database versions not stated): gnomAD exomes 0.00005 and 0.00014; TOPMed 0.00007; gnomAD 0.00008; ExAC 0.00010; 1000 Genomes Project 30x 0.00016; 1000 Genomes Project 0.00020.
gnomAD v4.1: 85 of 1,614,194 alleles (0.0053%); highest among the groups gnomAD compares: East Asian, 0.11%; no homozygotes.

Submissions (9):

Labcorp Genetics (formerly Invitae), Labcorp
Classification: Likely benign for Arrhythmogenic right ventricular dysplasia 12; Naxos disease. Last evaluated: 2026-01-05. Review status: criteria provided, single submitter. Criteria: Invitae Variant Classification Sherloc (09022015). Collection method: clinical testing. Allele origin: germline.

Blueprint Genetics
Classification: Likely benign. Last evaluated: 2024-06-10. Review status: criteria provided, single submitter. Criteria: ACMG Guidelines, 2015. Collection method: clinical testing. Allele origin: germline.

GeneDx
Classification: Uncertain significance. Last evaluated: 2022-09-19. Review status: criteria provided, single submitter. Criteria: GeneDx Variant Classification Process June 2021. Collection method: clinical testing. Allele origin: germline. Affected: yes.
Comment: In silico analysis supports that this missense variant does not alter protein structure/function; Has been reported in association with dilated cardiomyopathy (Verdonschot et al., 2020); This variant is associated with the following publications: (PMID: 32880476)

Ambry Genetics
Classification: Benign for Cardiovascular phenotype. Last evaluated: 2022-05-27. Review status: criteria provided, single submitter. Criteria: Ambry Variant Classification Scheme 2023. Collection method: clinical testing. Allele origin: germline.

ARUP Laboratories, Molecular Genetics and Genomics, ARUP Laboratories
Classification: Uncertain significance. Last evaluated: 2018-04-20. Review status: criteria provided, single submitter. Criteria: ARUP Molecular Germline Variant Investigation Process. Collection method: clinical testing. Allele origin: germline.
Comment: The JUP c.1982G>A; p.Arg661Gln variant (rs555499592, ClinVar variant ID 409985), to our knowledge, is not reported in the medical literature, gene specific variation databases, nor has it been previously identified by our laboratory. This variant is listed in the genome Aggregation Database (gnomAD) with an overall population frequency of 0.1% (identified on 27 out of 18,870 chromosomes). The arginine at position 661 is moderately conserved, considering 13 species, and computational analyses of the effects of the p.Arg661Gln variant on protein structure and function do not predict a deleterious effect (SIFT: tolerated, PolyPhen-2: benign). Based on the available information, the clinical significance of the p.Arg661Gln variant cannot be determined with certainty.

Illumina Laboratory Services, Illumina
Classification: Uncertain significance for Arrhythmogenic right ventricular dysplasia 12. Last evaluated: 2018-01-13. Review status: criteria provided, single submitter. Criteria: ICSL Variant Classification Criteria 13 December 2019. Collection method: clinical testing. Allele origin: germline.

Illumina Laboratory Services, Illumina
Classification: Uncertain significance for Naxos disease. Last evaluated: 2018-01-13. Review status: criteria provided, single submitter. Criteria: ICSL Variant Classification Criteria 13 December 2019. Collection method: clinical testing. Allele origin: germline.

Diagnostic Laboratory, Department of Genetics, University Medical Center Groningen
Classification: Uncertain significance. Review status: no assertion criteria provided. Collection method: clinical testing. Allele origin: germline. Affected: yes. Study: VKGL Data-share Consensus. Not counted in ClinVar's aggregate classification.

Joint Genome Diagnostic Labs from Nijmegen and Maastricht, Radboudumc and MUMC+
Classification: Uncertain significance. Review status: no assertion criteria provided. Collection method: clinical testing. Allele origin: germline. Affected: yes. Study: VKGL Data-share Consensus. Not counted in ClinVar's aggregate classification.

NM_002230.4(JUP):c.1982G>A (p.Arg661Gln)

Gene: JUP (junction plakoglobin; minus strand). Cytogenetic location: 17q21.2.
Variant type: single nucleotide variant.
Coding change: c.1982G>A on transcript NM_002230.4 (MANE Select); coding-DNA position 1982, G replaced by A.
Protein change: p.Arg661Gln; replaces arginine 661 with glutamine.
Molecular consequence: missense variant.
Genome position (GRCh38, 1-based): chr17:41,757,479, C>T on the plus strand (G>A on the coding strand, the complement: JUP is on the minus strand). VCF-style: chr17-41757479-C-T. GRCh37 (hg19) VCF-style: chr17-39913731-C-T.
Other names: c.1982G>A, p.Arg661Gln (NM_001352773.2, NM_001352774.2, NM_001352775.2 and 3 more transcripts); short protein forms R661Q.
Identifiers: ClinVar variation 409985 (VCV000409985.30), dbSNP rs555499592, ClinGen allele CA8565056.
Genomic context (GRCh38, chr17:41,757,479, plus strand): 5'-TCCCAGGCAGCCGGGTCATGCTTGAAGAGGGAGTTGGTGAGCTCCACGGACACGCGCTTC[C>T]GGTAGTCTGGGTTCTTGTCCTCGGAGATGCGGAACAGGACGGCAGCAGCGTAGGTGGCTG-3'
Protein context (NP_002221.1, residues 651-671): RISEDKNPDY[Arg661Gln]KRVSVELTNS